The following is an entry in ClinVar:

ClinVar aggregate classification (germline): Uncertain significance (1 of 4 stars; one submission).

gnomAD v4.1: 10 of 1,613,848 alleles (0.00062%); highest among the groups gnomAD compares: African/African-American, 0.013%; no homozygotes.

Submission:

Labcorp Genetics (formerly Invitae), Labcorp
Classification: Uncertain significance. Last evaluated: 2025-12-01. Review status: criteria provided, single submitter. Criteria: Invitae Variant Classification Sherloc (09022015). Collection method: clinical testing. Allele origin: germline.
Comment: This sequence change replaces proline, which is neutral and non-polar, with leucine, which is neutral and non-polar, at codon 11 of the ANKZF1 protein (p.Pro11Leu). This variant is present in population databases (rs372724538, gnomAD 0.01%). This variant has not been reported in the literature in individuals affected with ANKZF1-related conditions. An algorithm developed to predict the effect of missense changes on protein structure and function (PolyPhen-2) suggests that this variant is likely to be tolerated. In summary, the available evidence is currently insufficient to determine the role of this variant in disease. Therefore, it has been classified as a Variant of Uncertain Significance.

NM_018089.3(ANKZF1):c.32C>T (p.Pro11Leu)

Gene: ANKZF1 (ankyrin repeat and zinc finger peptidyl tRNA hydrolase 1; plus strand). Cytogenetic location: 2q35.
Variant type: single nucleotide variant.
Coding change: c.32C>T on transcript NM_018089.3 (MANE Select); coding-DNA position 32, C replaced by T.
Protein change: p.Pro11Leu; replaces proline 11 with leucine.
Molecular consequence: missense variant. On other transcripts: intron variant (1).
Genome position (GRCh38, 1-based): chr2:219,230,289, C>T. VCF-style: chr2-219230289-C-T. GRCh37 (hg19) VCF-style: chr2-220095011-C-T.
Other names: c.32C>T, p.Pro11Leu (NM_001042410.2); c.-267+389C>T (NM_001282792.2); short protein forms P11L.
Identifiers: ClinVar variation 4738390 (VCV004738390.1).